The following is an entry in ClinVar:

ClinVar aggregate classification (germline): Likely benign (1 of 4 stars; one submission).

Conditions:
CEP164-related disorder. Also called: CEP164-related condition.

Submission:

PreventionGenetics, part of Exact Sciences
Classification: Likely benign for CEP164-related condition. Last evaluated: 2026-07-14. Review status: criteria provided, single submitter. Criteria: ACMG Guidelines, 2015. Collection method: clinical testing. Allele origin: germline.
Comment: This variant is classified as likely benign based on ACMG/AMP sequence variant interpretation guidelines (Richards et al. 2015 PMID: 25741868, with internal and published modifications).

NM_014956.5(CEP164):c.1944G>A (p.Arg648=)

Gene: CEP164 (centrosomal protein 164; plus strand). Cytogenetic location: 11q23.3.
Variant type: single nucleotide variant.
Coding change: c.1944G>A on transcript NM_014956.5 (MANE Select); coding-DNA position 1944, G replaced by A.
Protein change: p.Arg648=; no amino-acid change (arginine 648 retained).
Molecular consequence: synonymous variant.
Genome position (GRCh38, 1-based): chr11:117,390,786, G>A. VCF-style: chr11-117390786-G-A. GRCh37 (hg19) VCF-style: chr11-117261502-G-A.
Other names: c.1953G>A, p.Arg651= (NM_001271933.2, NM_001440949.1); c.1944G>A, p.Arg648= (NM_001440950.1, NM_001440951.1, NM_001440953.1); c.1779G>A, p.Arg593= (NM_001440952.1, NM_001440968.1, NM_001440969.1); c.1866G>A, p.Arg622= (NM_001440954.1, NM_001440955.1, NM_001440958.1 and 1 more transcripts); c.1857G>A, p.Arg619= (NM_001440956.1, NM_001440957.1); c.1815G>A, p.Arg605= (NM_001440960.1); c.1806G>A, p.Arg602= (NM_001440961.1, NM_001440967.1); c.1797G>A, p.Arg599= (NM_001440962.1, NM_001440963.1, NM_001440964.1 and 4 more transcripts); and 7 more.
Identifiers: ClinVar variation 4992496 (VCV004992496.1).